The following is an entry in ClinVar:

NM_005157.6(ABL1):c.3046C>T (p.Arg1016Cys)

Gene: ABL1 (ABL proto-oncogene 1, non-receptor tyrosine kinase; plus strand). Cytogenetic location: 9q34.12.
Variant type: single nucleotide variant.
Coding change: c.3046C>T on transcript NM_005157.6 (MANE Select); coding-DNA position 3046, C replaced by T.
Protein change: p.Arg1016Cys; replaces arginine 1016 with cysteine.
Molecular consequence: missense variant.
Genome position (GRCh38, 1-based): chr9:130,885,336, C>T. VCF-style: chr9-130885336-C-T. GRCh37 (hg19) VCF-style: chr9-133760723-C-T.
Other names: c.3103C>T, p.Arg1035Cys (NM_007313.3); short protein forms R1016C, R1035C.
Identifiers: ClinVar variation 2960412 (VCV002960412.3), dbSNP rs1423362935, ClinGen allele CA375260977.
Genomic context (GRCh38, chr9:130,885,336, plus strand): 5'-CAGCCGTCTTCCACCGCCTTCATCCCTCTCATATCAACCCGAGTGTCTCTTCGGAAAACC[C>T]GCCAGCCTCCAGAGCGGATCGCCAGCGGCGCCATCACCAAGGGCGTGGTCCTGGACAGCA-3'
Protein context (NP_005148.2, residues 1006-1026): ISTRVSLRKT[Arg1016Cys]QPPERIASGA

ClinVar aggregate classification (germline): Uncertain significance (1 of 4 stars; one submission).

Allele frequency attached by ClinVar (database versions not stated): gnomAD 0.00001.
gnomAD v4.1: 5 of 1,613,614 alleles (0.00031%); highest among the groups gnomAD compares: South Asian, 0.0011%; no homozygotes.

Submission:

Labcorp Genetics (formerly Invitae), Labcorp
Classification: Uncertain significance. Last evaluated: 2023-04-25. Review status: criteria provided, single submitter. Criteria: Invitae Variant Classification Sherloc (09022015). Collection method: clinical testing. Allele origin: germline.
Comment: This variant is present in population databases (no rsID available, gnomAD 0.0009%). This sequence change replaces arginine, which is basic and polar, with cysteine, which is neutral and slightly polar, at codon 1035 of the ABL1 protein (p.Arg1035Cys). Advanced modeling of protein sequence and biophysical properties (such as structural, functional, and spatial information, amino acid conservation, physicochemical variation, residue mobility, and thermodynamic stability) has been performed at Invitae for this missense variant, however the output from this modeling did not meet the statistical confidence thresholds required to predict the impact of this variant on ABL1 protein function. This variant has not been reported in the literature in individuals affected with ABL1-related conditions. In summary, the available evidence is currently insufficient to determine the role of this variant in disease. Therefore, it has been classified as a Variant of Uncertain Significance.